The following is an entry in ClinVar:

NM_022552.5(DNMT3A):c.1681G>A (p.Glu561Lys)

Gene: DNMT3A (DNA methyltransferase 3 alpha; minus strand). Cytogenetic location: 2p23.3.
Variant type: single nucleotide variant.
Coding change: c.1681G>A on transcript NM_022552.5 (MANE Select); coding-DNA position 1681, G replaced by A.
Protein change: p.Glu561Lys; replaces glutamic acid 561 with lysine.
Molecular consequence: missense variant. On other transcripts: non-coding transcript variant (1).
Genome position (GRCh38, 1-based): chr2:25,244,325, C>T on the plus strand (G>A on the coding strand, the complement: DNMT3A is on the minus strand). VCF-style: chr2-25244325-C-T. GRCh37 (hg19) VCF-style: chr2-25467194-C-T.
Other names: c.1225G>A, p.Glu409Lys (NM_001320893.1); c.1012G>A, p.Glu338Lys (NM_001375819.1); c.1114G>A, p.Glu372Lys (NM_153759.3); c.1681G>A, p.Glu561Lys (NM_175629.2); short protein forms E338K, E372K, E409K, E561K.
Identifiers: ClinVar variation 3370671 (VCV003370671.1).

ClinVar aggregate classification (germline): Uncertain significance (1 of 4 stars; one submission).

Submission:

GeneDx
Classification: Uncertain significance. Last evaluated: 2024-03-14. Review status: criteria provided, single submitter. Criteria: GeneDx Variant Classification Process June 2021. Collection method: clinical testing. Allele origin: germline. Affected: yes.
Comment: Not observed at significant frequency in large population cohorts (gnomAD); In silico analysis supports that this missense variant has a deleterious effect on protein structure/function; Has not been previously published as pathogenic or benign to our knowledge